The following is an entry in ClinVar:

ClinVar aggregate classification (germline): Uncertain significance. Review status: criteria provided, multiple submitters, no conflicts (2 of 4 stars). 4 submissions from 4 submitters: Uncertain significance (3). 1 of the submissions does not count toward it. Last evaluated 2025-10-26.

Conditions:
Inborn genetic diseases. Identifiers: MedGen C0950123, MeSH D030342.
Retinal dystrophy. Also called: Inherited retinal dystrophy. Identifiers: Orphanet 71862, MedGen C0854723, MeSH D058499, MONDO:0019118, HP:0000556.

Allele frequency attached by ClinVar (database versions not stated): TOPMed below 0.00001; gnomAD 0.00002; gnomAD exomes 0.00003.
gnomAD v4.1: 44 of 1,613,770 alleles (0.0027%); highest among the groups gnomAD compares: Non-Finnish European, 0.0037%; no homozygotes.

Submissions (4):

Labcorp Genetics (formerly Invitae), Labcorp
Classification: Uncertain significance. Last evaluated: 2025-10-26. Review status: criteria provided, single submitter. Criteria: Invitae Variant Classification Sherloc (09022015). Collection method: clinical testing. Allele origin: germline.
Comment: This sequence change replaces histidine, which is basic and polar, with aspartic acid, which is acidic and polar, at codon 1034 of the RP1 protein (p.His1034Asp). This variant is present in population databases (rs746848660, gnomAD 0.006%). This variant has not been reported in the literature in individuals affected with RP1-related conditions. ClinVar contains an entry for this variant (Variation ID: 1012080). An algorithm developed to predict the effect of missense changes on protein structure and function (PolyPhen-2) suggests that this variant is likely to be tolerated. In summary, the available evidence is currently insufficient to determine the role of this variant in disease. Therefore, it has been classified as a Variant of Uncertain Significance.

Blueprint Genetics
Classification: Uncertain significance. Last evaluated: 2024-04-25. Review status: criteria provided, single submitter. Criteria: ACMG Guidelines, 2015. Collection method: clinical testing. Allele origin: germline.

Ambry Genetics
Classification: Uncertain significance for Inborn genetic diseases. Last evaluated: 2021-09-17. Review status: criteria provided, single submitter. Criteria: Ambry Variant Classification Scheme 2023. Collection method: clinical testing. Allele origin: germline.

Institute of Human Genetics, Univ. Regensburg, Univ. Regensburg
Classification: Uncertain significance for Retinal dystrophy. Last evaluated: 2023-01-01. Review status: no assertion criteria provided. Criteria: ACMG Guidelines, 2015. Collection method: clinical testing. Allele origin: germline. Affected: yes. Not counted in ClinVar's aggregate classification.

NM_006269.2(RP1):c.3100C>G (p.His1034Asp)

Gene: RP1 (RP1 axonemal microtubule associated; plus strand). Cytogenetic location: 8q12.1.
Variant type: single nucleotide variant.
Coding change: c.3100C>G on transcript NM_006269.2 (MANE Select); coding-DNA position 3100, C replaced by G.
Protein change: p.His1034Asp; replaces histidine 1034 with aspartic acid.
Molecular consequence: missense variant. On other transcripts: intron variant (1).
Genome position (GRCh38, 1-based): chr8:54,626,982, C>G. VCF-style: chr8-54626982-C-G. GRCh37 (hg19) VCF-style: chr8-55539542-C-G.
Other names: c.787+4694C>G (NM_001375654.1); c.3100C>G (NM_006269.1); short protein forms H1034D.
Identifiers: ClinVar variation 1012080 (VCV001012080.9), dbSNP rs746848660, ClinGen allele CA177237470.